The following is an entry in ClinVar:

NM_015021.3(ZNF292):c.7797T>C (p.Leu2599=)

Gene: ZNF292 (zinc finger protein 292; plus strand). Cytogenetic location: 6q14.3.
Variant type: single nucleotide variant.
Coding change: c.7797T>C on transcript NM_015021.3 (MANE Select); coding-DNA position 7797, T replaced by C.
Protein change: p.Leu2599=; no amino-acid change (leucine 2599 retained).
Molecular consequence: synonymous variant.
Genome position (GRCh38, 1-based): chr6:87,261,426, T>C. VCF-style: chr6-87261426-T-C. GRCh37 (hg19) VCF-style: chr6-87971144-T-C.
Other names: c.7377T>C, p.Leu2459= (NM_001351444.2).
Identifiers: ClinVar variation 3067543 (VCV003067543.21), dbSNP rs369582897, ClinGen allele CA3914863.

ClinVar aggregate classification (germline): Likely benign (1 of 4 stars; one submission).

Allele frequency attached by ClinVar (database versions not stated): gnomAD exomes 0.00001; ExAC 0.00003; gnomAD 0.00003; TOPMed 0.00003; ESP Exome Variant Server 0.00008.
gnomAD v4.1: 20 of 1,609,750 alleles (0.0012%); highest among the groups gnomAD compares: Non-Finnish European, 0.0016%; no homozygotes.

Submission:

CeGaT Center for Human Genetics Tuebingen
Classification: Likely benign. Last evaluated: 2025-03-01. Review status: criteria provided, single submitter. Criteria: CeGaT Center For Human Genetics Tuebingen Variant Classification Criteria Version 2. Collection method: clinical testing. Allele origin: germline. Affected: yes. Observed: 3 variant alleles.
Comment: ZNF292: BP4, BP7